The following is an entry in ClinVar:

NM_004360.5(CDH1):c.1616C>T (p.Thr539Ile)

Gene: CDH1 (cadherin 1; plus strand). Cytogenetic location: 16q22.1.
Variant type: single nucleotide variant.
Coding change: c.1616C>T on transcript NM_004360.5 (MANE Select); coding-DNA position 1616, C replaced by T.
Protein change: p.Thr539Ile; replaces threonine 539 with isoleucine.
Molecular consequence: missense variant. On other transcripts: intron variant (1).
Genome position (GRCh38, 1-based): chr16:68,819,330, C>T. VCF-style: chr16-68819330-C-T. GRCh37 (hg19) VCF-style: chr16-68853233-C-T.
Other names: c.1433C>T, p.Thr478Ile (NM_001317184.2); c.68C>T, p.Thr23Ile (NM_001317185.2); c.-254-2671C>T (NM_001317186.2); short protein forms T23I, T478I, T539I.
Identifiers: ClinVar variation 1485734 (VCV001485734.10), dbSNP rs1961075409, ClinGen allele CA396465082.

ClinVar aggregate classification (germline): Uncertain significance (1 of 4 stars; one submission).

Conditions:
Hereditary diffuse gastric adenocarcinoma (HDGC). Also called: DIFFUSE GASTRIC AND LOBULAR BREAST CANCER SYNDROME. Identifiers: Orphanet 26106, MedGen C1708349, MONDO:0007648, OMIM 137215.

Submission:

Labcorp Genetics (formerly Invitae), Labcorp
Classification: Uncertain significance for Hereditary diffuse gastric adenocarcinoma. Last evaluated: 2021-12-30. Review status: criteria provided, single submitter. Criteria: Invitae Variant Classification Sherloc (09022015). Collection method: clinical testing. Allele origin: germline.
Comment: Algorithms developed to predict the effect of missense changes on protein structure and function are either unavailable or do not agree on the potential impact of this missense change (SIFT: "Deleterious"; PolyPhen-2: "Possibly Damaging"; Align-GVGD: "Class C0"). In summary, the available evidence is currently insufficient to determine the role of this variant in disease. Therefore, it has been classified as a Variant of Uncertain Significance. This variant has not been reported in the literature in individuals affected with CDH1-related conditions. This variant is not present in population databases (gnomAD no frequency). This sequence change replaces threonine, which is neutral and polar, with isoleucine, which is neutral and non-polar, at codon 539 of the CDH1 protein (p.Thr539Ile).